The following is an entry in ClinVar:

NC_000011.10:g.47342560C>G

Gene: MYBPC3 (myosin binding protein C3; minus strand). Cytogenetic location: 11p11.2.
Variant type: single nucleotide variant.
Genome position: GRCh38 VCF-style: chr11-47342560-C-G. GRCh37 (hg19) VCF-style: chr11-47364111-C-G.
Other names: c.1624+18G>C (LRG_386t1, NM_000256.3).
Identifiers: ClinVar variation 507265 (VCV000507265.5), dbSNP rs767468093, ClinGen allele CA599374409.
Genomic context (GRCh38, chr11:47,342,560, plus strand): 5'-TCCCCTACAGGGCTAGGTGGGGTGGGGGCTGAGGGGTCCAAGCCCTAAAGCCTCATGTGC[C>G]CCCCCAGCCAGGCTCACCCTGCACAATGAGCTCAGCCAGCGCCTGGCCCCCGCTAGTGCA-3'

ClinVar aggregate classification (germline): Likely benign. Review status: criteria provided, multiple submitters, no conflicts (2 of 4 stars). 3 submissions from 3 submitters: Likely benign (3). Last evaluated 2026-02-07.

Conditions:
Hypertrophic cardiomyopathy. Also called: HYPERTROPHIC MYOCARDIOPATHY. Identifiers: Orphanet 217569, MedGen C0007194, MeSH D002312, MONDO:0005045, HP:0001639.

Allele frequency attached by ClinVar (database versions not stated): gnomAD 0.00003; TOPMed 0.00008.

Submissions (3):

Women's Health and Genetics/Laboratory Corporation of America, LabCorp
Classification: Likely benign. Last evaluated: 2026-02-07. Review status: criteria provided, single submitter. Criteria: LabCorp Variant Classification Summary - May 2015. Collection method: clinical testing. Allele origin: germline.

Labcorp Genetics (formerly Invitae), Labcorp
Classification: Likely benign for Hypertrophic cardiomyopathy. Last evaluated: 2024-08-21. Review status: criteria provided, single submitter. Criteria: Invitae Variant Classification Sherloc (09022015). Collection method: clinical testing. Allele origin: germline.

GeneDx
Classification: Likely benign. Last evaluated: 2017-02-07. Review status: criteria provided, single submitter. Criteria: GeneDx Variant Classification (06012015). Collection method: clinical testing. Allele origin: germline. Affected: yes.
Comment: This variant is considered likely benign or benign based on one or more of the following criteria: it is a conservative change, it occurs at a poorly conserved position in the protein, it is predicted to be benign by multiple in silico algorithms, and/or has population frequency not consistent with disease.